The following is an entry in ClinVar:

NM_000465.4(BARD1):c.617A>G (p.Gln206Arg)

Gene: BARD1 (BRCA1 associated RING domain 1; minus strand). Cytogenetic location: 2q35.
Variant type: single nucleotide variant.
Coding change: c.617A>G on transcript NM_000465.4 (MANE Select); coding-DNA position 617, A replaced by G.
Protein change: p.Gln206Arg; replaces glutamine 206 with arginine.
Molecular consequence: missense variant. On other transcripts: non-coding transcript variant (2), intron variant (3).
Genome position (GRCh38, 1-based): chr2:214,781,257, T>C on the plus strand (A>G on the coding strand, the complement: BARD1 is on the minus strand). VCF-style: chr2-214781257-T-C. GRCh37 (hg19) VCF-style: chr2-215645981-T-C.
Other names: c.560A>G, p.Gln187Arg (NM_001282543.2); c.158+28155A>G (NM_001282548.2); c.215+15804A>G (NM_001282545.2); c.364+11040A>G (NM_001282549.2); short protein forms Q206R, Q187R.
Identifiers: ClinVar variation 232403 (VCV000232403.17), dbSNP rs760718143, ClinGen allele CA10577841.

ClinVar aggregate classification (germline): Conflicting classifications of pathogenicity. Review status: criteria provided, conflicting classifications (1 of 4 stars). 3 submissions from 3 submitters: Uncertain significance (2); Likely benign (1). Last evaluated 2025-12-16.

Conditions:
Hereditary cancer-predisposing syndrome. Also called: Neoplastic Syndromes, Hereditary; Tumor predisposition; Hereditary Cancer Syndrome; Hereditary neoplastic syndrome. Identifiers: Orphanet 140162, MedGen C0027672, MeSH D009386, MONDO:0015356.
Familial cancer of breast. Also called: BREAST CANCER, FAMILIAL; hereditary breast carcinoma; Hereditary breast cancer. Identifiers: Orphanet 227535, MedGen C0346153, MONDO:0016419, OMIM 114480. Disease mechanism: loss of function.

Submissions (3):

Color Diagnostics, LLC DBA Color Health
Classification: Uncertain significance for Hereditary cancer-predisposing syndrome. Last evaluated: 2025-12-16. Review status: criteria provided, single submitter. Criteria: ACMG Guidelines, 2015. Collection method: clinical testing. Allele origin: germline.
Comment: This missense variant replaces glutamine with arginine at codon 206 of the BARD1 protein. Computational prediction suggests that this variant may not impact protein structure and function. To our knowledge, functional studies have not been reported for this variant. This variant has not been reported in individuals affected with BARD1-related disorders in the literature. This variant has not been identified in the general population by the Genome Aggregation Database (gnomAD). The available evidence is insufficient to determine the role of this variant in disease conclusively. Therefore, this variant is classified as a Variant of Uncertain Significance.

Ambry Genetics
Classification: Likely benign for Hereditary cancer-predisposing syndrome. Last evaluated: 2024-08-14. Review status: criteria provided, single submitter. Criteria: Ambry Variant Classification Scheme 2023. Collection method: clinical testing. Allele origin: germline.

Labcorp Genetics (formerly Invitae), Labcorp
Classification: Uncertain significance for Familial cancer of breast. Last evaluated: 2023-04-09. Review status: criteria provided, single submitter. Criteria: Invitae Variant Classification Sherloc (09022015). Collection method: clinical testing. Allele origin: germline.
Comment: In summary, the available evidence is currently insufficient to determine the role of this variant in disease. Therefore, it has been classified as a Variant of Uncertain Significance. Algorithms developed to predict the effect of missense changes on protein structure and function output the following: SIFT: "Not Available"; PolyPhen-2: "Benign"; Align-GVGD: "Not Available". The arginine amino acid residue is found in multiple mammalian species, which suggests that this missense change does not adversely affect protein function. ClinVar contains an entry for this variant (Variation ID: 232403). This variant has not been reported in the literature in individuals affected with BARD1-related conditions. This variant is not present in population databases (gnomAD no frequency). This sequence change replaces glutamine, which is neutral and polar, with arginine, which is basic and polar, at codon 206 of the BARD1 protein (p.Gln206Arg).

Literature cited by the submitters: PubMed 38136308 (cited by Ambry Genetics).